The following is an entry in ClinVar:

ClinVar aggregate classification (germline): Uncertain significance (1 of 4 stars; one submission).

Submission:

Labcorp Genetics (formerly Invitae), Labcorp
Classification: Uncertain significance. Last evaluated: 2025-09-02. Review status: criteria provided, single submitter. Criteria: Invitae Variant Classification Sherloc (09022015). Collection method: clinical testing. Allele origin: germline.
Comment: This sequence change replaces glycine, which is neutral and non-polar, with arginine, which is basic and polar, at codon 223 of the DNM1L protein (p.Gly223Arg). This variant is not present in population databases (gnomAD no frequency). This variant has not been reported in the literature in individuals affected with DNM1L-related conditions. ClinVar contains an entry for this variant (Variation ID: 2837644). An algorithm developed to predict the effect of missense changes on protein structure and function (PolyPhen-2) suggests that this variant is likely to be disruptive. This variant disrupts the p.Gly223 amino acid residue in DNM1L. Other variant(s) that disrupt this residue have been determined to be pathogenic (PMID: 30801875). This suggests that this residue is clinically significant, and that variants that disrupt this residue are likely to be disease-causing. In summary, the available evidence is currently insufficient to determine the role of this variant in disease. Therefore, it has been classified as a Variant of Uncertain Significance.

Literature cited by the submitters: PubMed 30801875.

NM_012062.5(DNM1L):c.667G>C (p.Gly223Arg)

Gene: DNM1L (dynamin 1 like; plus strand). Cytogenetic location: 12p11.21.
Variant type: single nucleotide variant.
Coding change: c.667G>C on transcript NM_012062.5 (MANE Select); coding-DNA position 667, G replaced by C.
Protein change: p.Gly223Arg; replaces glycine 223 with arginine.
Molecular consequence: missense variant. On other transcripts: intron variant (1).
Genome position (GRCh38, 1-based): chr12:32,718,690, G>C. VCF-style: chr12-32718690-G-C. GRCh37 (hg19) VCF-style: chr12-32871624-G-C.
Other names: c.667G>C, p.Gly223Arg (NM_001278463.2, NM_005690.5, NM_012063.4); c.706G>C, p.Gly236Arg (NM_001278464.2, NM_001278465.2, NM_001330380.2); c.132-1974G>C (NM_001278466.2); short protein forms G236R, G223R.
Identifiers: ClinVar variation 2837644 (VCV002837644.3), dbSNP rs2541036107, ClinGen allele CA384368923.
Genomic context (GRCh38, chr12:32,718,690, plus strand): 5'-TTGCATTTACCAGGTCGCAGAACCCTAGCTGTAATCACTAAACTTGATCTCATGGATGCG[G>C]GTACTGATGCCATGGATGTATTGATGGGAAGGGTTATTCCAGTCAAACTTGGAATAATTG-3'
Protein context (NP_036192.2, residues 213-233): VITKLDLMDA[Gly223Arg]TDAMDVLMGR